The following is an entry in ClinVar:

NM_001164508.2(NEB):c.12991C>T (p.Gln4331Ter)

Gene: NEB (nebulin; minus strand). Cytogenetic location: 2q23.3.
Variant type: single nucleotide variant.
Coding change: c.12991C>T on transcript NM_001164508.2 (MANE Select); coding-DNA position 12991, C replaced by T.
Protein change: p.Gln4331Ter; replaces glutamine 4331 with a stop codon.
Molecular consequence: nonsense. On other transcripts: intron variant (1).
Genome position (GRCh38, 1-based): chr2:151,604,628, G>A on the plus strand (C>T on the coding strand, the complement: NEB is on the minus strand). VCF-style: chr2-151604628-G-A. GRCh37 (hg19) VCF-style: chr2-152461142-G-A.
Other names: c.12991C>T, p.Gln4331Ter (NM_001164507.2, NM_001271208.2); c.11601+5181C>T (NM_004543.5); short protein forms Q4331*.
Identifiers: ClinVar variation 864424 (VCV000864424.9), dbSNP rs1326513178, ClinGen allele CA348772952.

ClinVar aggregate classification (germline): Pathogenic (1 of 4 stars; one submission).

Conditions:
Nemaline myopathy 2 (NEM2). Also called: Nemaline myopathy 2, autosomal recessive. Identifiers: MedGen C1850569, MONDO:0009725, OMIM 256030.

Submission:

Labcorp Genetics (formerly Invitae), Labcorp
Classification: Pathogenic for Nemaline myopathy 2. Last evaluated: 2025-02-07. Review status: criteria provided, single submitter. Criteria: Invitae Variant Classification Sherloc (09022015). Collection method: clinical testing. Allele origin: germline.
Comment: This variant occurs in a region of NEB (Exons 82-105) consisting of three highly homologous 8-exon repeat units (exons 82-89, exons 90-97, exons 98-105). Sequence variants in this region can be detected, but this assay cannot determine which of the three repeat units is affected, and zygosity is often ambiguous. All variants in this region are reported relative to the exon 82-89 repeat. This sequence change creates a premature translational stop signal (p.Gln4331*) in the NEB gene. It is expected to result in an absent or disrupted protein product. Loss-of-function variants in NEB are known to be pathogenic (PMID: 25205138). The frequency data for this variant in the population databases (gnomAD) is considered unreliable due to the presence of homologous sequence, such as pseudogenes or paralogs, in the genome. This variant has not been reported in the literature in individuals affected with NEB-related conditions. ClinVar contains an entry for this variant (Variation ID: 864424). For these reasons, this variant has been classified as Pathogenic.

Literature cited by the submitters: PubMed 25205138.